The following is an entry in ClinVar:

ClinVar aggregate classification (germline): Uncertain significance (1 of 4 stars; one submission).

Conditions:
Inborn genetic diseases. Identifiers: MedGen C0950123, MeSH D030342.

gnomAD v4.1: 2 of 1,614,072 alleles (0.00012%); highest among the groups gnomAD compares: Admixed American, 0.0017%; no homozygotes.

Submission:

Ambry Genetics
Classification: Uncertain significance for Inborn genetic diseases. Last evaluated: 2025-10-29. Review status: criteria provided, single submitter. Criteria: Ambry Variant Classification Scheme 2023. Collection method: clinical testing. Allele origin: germline.
Comment: The c.226A>G (p.K76E) alteration is located in exon 2 (coding exon 2) of the TPM2 gene. This alteration results from a A to G substitution at nucleotide position 226, causing the lysine (K) at amino acid position 76 to be replaced by a glutamic acid (E). Based on data from gnomAD, the G allele has an overall frequency of <0.001% (1/251488) total alleles studied. The highest observed frequency was <0.001% (/) of alleles. Based on insufficient or conflicting evidence, the clinical significance of this alteration remains unclear.

NM_003289.4(TPM2):c.226A>G (p.Lys76Glu)

Gene: TPM2 (tropomyosin 2; minus strand). Cytogenetic location: 9p13.3.
Variant type: single nucleotide variant.
Coding change: c.226A>G on transcript NM_003289.4 (MANE Select); coding-DNA position 226, A replaced by G.
Protein change: p.Lys76Glu; replaces lysine 76 with glutamic acid.
Molecular consequence: missense variant.
Genome position (GRCh38, 1-based): chr9:35,689,160, T>C on the plus strand (A>G on the coding strand, the complement: TPM2 is on the minus strand). VCF-style: chr9-35689160-T-C. GRCh37 (hg19) VCF-style: chr9-35689157-T-C.
Other names: c.226A>G, p.Lys76Glu (NM_001301226.2, NM_001301227.2, NM_213674.1); short protein forms K76E.
Identifiers: ClinVar variation 4633456 (VCV004633456.1).
Genomic context (GRCh38, chr9:35,689,160, plus strand): 5'-TCCCAGAGCCCTAACTCCTCCCATTGTCCCCCAAGTCCACACTCACATCAGTGGCCTTCT[T>C]CTCGGCCTGCTCCAGTTTCTCCTGGGCCTCCTTCACGGATTCAGAATACTTTTCCACCTC-3'
Protein context (NP_003280.2, residues 66-86): EAQEKLEQAE[Lys76Glu]KATDAEADVA